The following is an entry in ClinVar:

NM_005902.4(SMAD3):c.702C>T (p.Ser234=)

Gene: SMAD3 (SMAD family member 3; plus strand). Cytogenetic location: 15q22.33.
Variant type: single nucleotide variant.
Coding change: c.702C>T on transcript NM_005902.4 (MANE Select); coding-DNA position 702, C replaced by T.
Protein change: p.Ser234=; no amino-acid change (serine 234 retained).
Molecular consequence: synonymous variant.
Genome position (GRCh38, 1-based): chr15:67,181,284, C>T. VCF-style: chr15-67181284-C-T. GRCh37 (hg19) VCF-style: chr15-67473622-C-T.
Other names: c.387C>T, p.Ser129= (NM_001145102.2, NM_001407016.1); c.570C>T, p.Ser190= (NM_001145103.2, NM_001407012.1); c.117C>T, p.Ser39= (NM_001145104.2, NM_001407017.1); c.702C>T, p.Ser234= (NM_001407011.1, NM_001407013.1); c.555C>T, p.Ser185= (NM_001407014.1); c.255C>T, p.Ser85= (NM_001407015.1).
Identifiers: ClinVar variation 3071831 (VCV003071831.1), dbSNP rs2505283251, ClinGen allele CA490914504.

ClinVar aggregate classification (germline): Likely benign (1 of 4 stars; one submission).

Conditions:
Aneurysm-osteoarthritis syndrome. Also called: SMAD3-Related Loeys-Dietz Syndrome; ANEURYSMS-OSTEOARTHRITIS SYNDROME; Loeys-Dietz syndrome, type 1C; LOEYS-DIETZ SYNDROME WITH OSTEOARTHRITIS. Identifiers: Orphanet 284984, MedGen C3151087, MONDO:0013426, OMIM 613795.

Submission:

All of Us Research Program, National Institutes of Health
Classification: Likely benign for Aneurysm-osteoarthritis syndrome. Last evaluated: 2023-06-26. Review status: criteria provided, single submitter. Criteria: ACMG Guidelines, 2015. Collection method: clinical testing. Allele origin: germline. Inheritance: Autosomal dominant inheritance. Observed: 1 variant allele, 1 heterozygote.
Comment: This study involves interpretation of variants in research participants for the purpose of population health screening. Participant phenotype was not available at the time of variant classification. Additional details can be found in publication PMID: 35346344, PMCID: PMC8962531